The following is an entry in ClinVar:

ClinVar aggregate classification (germline): Benign/Likely benign. Review status: criteria provided, multiple submitters, no conflicts (2 of 4 stars). 5 submissions from 5 submitters: Benign (1); Likely benign (4). Last evaluated 2025-03-04.

Conditions:
Hereditary cancer-predisposing syndrome. Also called: Neoplastic Syndromes, Hereditary; Tumor predisposition; Hereditary neoplastic syndrome; Hereditary Cancer Syndrome. Identifiers: Orphanet 140162, MedGen C0027672, MeSH D009386, MONDO:0015356.
Familial cancer of breast. Also called: BREAST CANCER, FAMILIAL; Hereditary breast cancer; hereditary breast carcinoma. Identifiers: Orphanet 227535, MedGen C0346153, MONDO:0016419, OMIM 114480. Disease mechanism: loss of function.

Allele frequency attached by ClinVar (database versions not stated): gnomAD exomes below 0.00001.
gnomAD v4.1: 1 of 1,614,190 alleles (0.000062%); highest among the groups gnomAD compares: Non-Finnish European, 0.000085%; no homozygotes.

Submissions (5):

Center for Genomic Medicine, Rigshospitalet, Copenhagen University Hospital
Classification: Likely benign. Last evaluated: 2025-03-04. Review status: criteria provided, single submitter. Criteria: ACMG Guidelines, 2015. Collection method: clinical testing. Allele origin: germline.

Myriad Genetics, Inc.
Classification: Benign for Familial cancer of breast. Last evaluated: 2025-01-14. Review status: criteria provided, single submitter. Criteria: Myriad Autosomal Dominant, Autosomal Recessive and X-Linked Classification Criteria (2023). Collection method: clinical testing. Allele origin: unknown.
Comment: This variant is considered benign. This variant is a silent/synonymous amino acid change and it is not expected to impact splicing.

Labcorp Genetics (formerly Invitae), Labcorp
Classification: Likely benign for Familial cancer of breast. Last evaluated: 2023-09-08. Review status: criteria provided, single submitter. Criteria: Invitae Variant Classification Sherloc (09022015). Collection method: clinical testing. Allele origin: germline.

Ambry Genetics
Classification: Likely benign for Hereditary cancer-predisposing syndrome. Last evaluated: 2020-09-08. Review status: criteria provided, single submitter. Criteria: Ambry Variant Classification Scheme 2023. Collection method: clinical testing. Allele origin: germline.

Color Diagnostics, LLC DBA Color Health
Classification: Likely benign for Hereditary cancer-predisposing syndrome. Last evaluated: 2018-02-08. Review status: criteria provided, single submitter. Criteria: ACMG Guidelines, 2015. Collection method: clinical testing. Allele origin: germline.

NM_024675.4(PALB2):c.1872T>C (p.Leu624=)

Gene: PALB2 (partner and localizer of BRCA2; minus strand). Cytogenetic location: 16p12.2.
Variant type: single nucleotide variant.
Coding change: c.1872T>C on transcript NM_024675.4 (MANE Select); coding-DNA position 1872, T replaced by C.
Protein change: p.Leu624=; no amino-acid change (leucine 624 retained).
Molecular consequence: synonymous variant.
Genome position (GRCh38, 1-based): chr16:23,630,282, A>G on the plus strand (T>C on the coding strand, the complement: PALB2 is on the minus strand). VCF-style: chr16-23630282-A-G. GRCh37 (hg19) VCF-style: chr16-23641603-A-G.
Identifiers: ClinVar variation 629855 (VCV000629855.16), dbSNP rs758409916, ClinGen allele CA279493375.